The following is an entry in ClinVar:

NM_017514.5(PLXNA3):c.5520+3G>A

Gene: PLXNA3 (plexin A3; plus strand). Cytogenetic location: Xq28.
Variant type: single nucleotide variant.
Coding change: c.5520+3G>A on transcript NM_017514.5 (MANE Select); 3 bases into the intron after coding-DNA position 5520, G replaced by A.
Molecular consequence: intron variant.
Genome position (GRCh38, 1-based): chrX:154,471,641, G>A. VCF-style: chrX-154471641-G-A. GRCh37 (hg19) VCF-style: chrX-153699984-G-A.
Identifiers: ClinVar variation 3355027 (VCV003355027.1).
Genomic context (GRCh38, chrX:154,471,641, plus strand): 5'-CAGCGTCCTGAGTGCGCTCAACGAGCTGTATTTCTATGTCACCAAGTACCGCCAGGAGGT[G>A]TGTGTCATCCCCACAGACTCCCAGTTACTTGGTCCTGAAGGTGCAGCCAGTGACAAAGGC-3'

ClinVar aggregate classification (germline): Likely benign (0 of 4 stars; one submission).

Conditions:
PLXNA3-related disorder. Also called: PLXNA3-related condition.

Submission:

PreventionGenetics, part of Exact Sciences
Classification: Likely benign for PLXNA3-related condition. Last evaluated: 2021-12-14. Review status: no assertion criteria provided. Collection method: clinical testing. Allele origin: germline.
Comment: This variant is classified as likely benign based on ACMG/AMP sequence variant interpretation guidelines (Richards et al. 2015 PMID: 25741868, with internal and published modifications).